The following is an entry in ClinVar:

ClinVar aggregate classification (germline): Uncertain significance (1 of 4 stars; one submission).

Allele frequency attached by ClinVar (database versions not stated): gnomAD exomes below 0.00001.
gnomAD v4.1: 2 of 1,610,802 alleles (0.00012%); highest among the groups gnomAD compares: Middle Eastern, 0.017%; no homozygotes.

Submission:

Labcorp Genetics (formerly Invitae), Labcorp
Classification: Uncertain significance. Last evaluated: 2023-09-19. Review status: criteria provided, single submitter. Criteria: Invitae Variant Classification Sherloc (09022015). Collection method: clinical testing. Allele origin: germline.
Comment: In summary, the available evidence is currently insufficient to determine the role of this variant in disease. Therefore, it has been classified as a Variant of Uncertain Significance. Algorithms developed to predict the effect of missense changes on protein structure and function output the following: SIFT: "Not Available"; PolyPhen-2: "Benign"; Align-GVGD: "Not Available". The valine amino acid residue is found in multiple mammalian species, which suggests that this missense change does not adversely affect protein function. This variant has not been reported in the literature in individuals affected with FGF20-related conditions. This variant is not present in population databases (gnomAD no frequency). This sequence change replaces isoleucine, which is neutral and non-polar, with valine, which is neutral and non-polar, at codon 138 of the FGF20 protein (p.Ile138Val).

NM_019851.3(FGF20):c.412A>G (p.Ile138Val)

Gene: FGF20 (fibroblast growth factor 20; minus strand). Cytogenetic location: 8p22.
Variant type: single nucleotide variant.
Coding change: c.412A>G on transcript NM_019851.3 (MANE Select); coding-DNA position 412, A replaced by G.
Protein change: p.Ile138Val; replaces isoleucine 138 with valine.
Molecular consequence: missense variant.
Genome position (GRCh38, 1-based): chr8:16,993,296, T>C on the plus strand (A>G on the coding strand, the complement: FGF20 is on the minus strand). VCF-style: chr8-16993296-T-C. GRCh37 (hg19) VCF-style: chr8-16850805-T-C.
Other names: short protein forms I138V.
Identifiers: ClinVar variation 2999987 (VCV002999987.3), dbSNP rs1809959923, ClinGen allele CA370394637.